The following is an entry in ClinVar:

NM_007294.4(BRCA1):c.487A>G (p.Arg163Gly)

Gene: BRCA1 (BRCA1 DNA repair associated; minus strand). Cytogenetic location: 17q21.31.
Variant type: single nucleotide variant.
Coding change: c.487A>G on transcript NM_007294.4 (MANE Select); coding-DNA position 487, A replaced by G.
Protein change: p.Arg163Gly; replaces arginine 163 with glycine.
Molecular consequence: missense variant. On other transcripts: intron variant (2).
Genome position (GRCh38, 1-based): chr17:43,099,835, T>C on the plus strand (A>G on the coding strand, the complement: BRCA1 is on the minus strand). VCF-style: chr17-43099835-T-C. GRCh37 (hg19) VCF-style: chr17-41251852-T-C.
Other names: c.274A>G, p.Arg92Gly (NM_001407571.1, NM_001407853.1, NM_001407894.1 and 18 more transcripts); c.487A>G, p.Arg163Gly (NM_001407581.1, NM_001407582.1, NM_001407583.1 and 96 more transcripts); c.484A>G, p.Arg162Gly (NM_001407587.1, NM_001407590.1, NM_001407591.1 and 65 more transcripts); c.346A>G, p.Arg116Gly (NM_001407728.1, NM_001407729.1, NM_001407730.1 and 61 more transcripts); c.478A>G, p.Arg160Gly (NM_001407646.1, NM_001407647.1, NM_001408408.1); c.409A>G, p.Arg137Gly (NM_001407653.1, NM_001407862.1, NM_001408409.1 and 12 more transcripts); c.343A>G, p.Arg115Gly (NM_001407747.1, NM_001407748.1, NM_001407749.1 and 35 more transcripts); c.277A>G, p.Arg93Gly (NM_001407900.1, NM_001407902.1, NM_001407904.1 and 37 more transcripts); and 5 more; short protein forms R115G, R136G, R137G, R162G, R36G, R92G, R163G, R35G.
Identifiers: ClinVar variation 4824196 (VCV004824196.1).
Genomic context (GRCh38, chr17:43,099,835, plus strand): 5'-CCAATTCAATGTAGACAGACGTCTTTTGAGGTTGTATCCGCTGCTTTGTCCTCAGAGTTC[T>C]CACAGTTCCAAGGTTAGAGAGTTGGACACTGAGACTGGTTTCCTGCTAAACAGTATGGTA-3'
Protein context (NP_009225.1, residues 153-173): SVQLSNLGTV[Arg163Gly]TLRTKQRIQP

ClinVar aggregate classification (germline): Uncertain significance (1 of 4 stars; one submission).

Conditions:
Hereditary cancer-predisposing syndrome. Also called: Neoplastic Syndromes, Hereditary; Hereditary neoplastic syndrome; Tumor predisposition; Hereditary Cancer Syndrome. Identifiers: Orphanet 140162, MedGen C0027672, MeSH D009386, MONDO:0015356.

Submission:

Ambry Genetics
Classification: Uncertain significance for Hereditary cancer-predisposing syndrome. Last evaluated: 2026-02-09. Review status: criteria provided, single submitter. Criteria: Ambry Variant Classification Scheme 2023. Collection method: clinical testing. Allele origin: germline.
Comment: The p.R163G variant (also known as c.487A>G), located in coding exon 6 of the BRCA1 gene, results from an A to G substitution at nucleotide position 487. The arginine at codon 163 is replaced by glycine, an amino acid with dissimilar properties. This amino acid position is well conserved in available vertebrate species. In addition, this alteration is predicted to be deleterious by in silico analysis. Based on the available evidence, the clinical significance of this variant remains unclear.